The following is an entry in ClinVar:

ClinVar aggregate classification (germline): Uncertain significance. Review status: criteria provided, multiple submitters, no conflicts (2 of 4 stars). 2 submissions from 2 submitters: Uncertain significance (2). Last evaluated 2024-08-15.

Conditions:
Episodic kinesigenic dyskinesia (EKD). Also called: Paroxysmal kinesigenic dyskinesia. Identifiers: Orphanet 98809, MedGen C1868682, MONDO:0044202.
Inborn genetic diseases. Identifiers: MedGen C0950123, MeSH D030342.

Submissions (2):

Labcorp Genetics (formerly Invitae), Labcorp
Classification: Uncertain significance for Episodic kinesigenic dyskinesia. Last evaluated: 2024-08-15. Review status: criteria provided, single submitter. Criteria: Invitae Variant Classification Sherloc (09022015). Collection method: clinical testing. Allele origin: germline.
Comment: This sequence change replaces arginine, which is basic and polar, with glycine, which is neutral and non-polar, at codon 217 of the PRRT2 protein (p.Arg217Gly). This variant is not present in population databases (gnomAD no frequency). This variant has not been reported in the literature in individuals affected with PRRT2-related conditions. ClinVar contains an entry for this variant (Variation ID: 1006059). Invitae Evidence Modeling of protein sequence and biophysical properties (such as structural, functional, and spatial information, amino acid conservation, physicochemical variation, residue mobility, and thermodynamic stability) indicates that this missense variant is not expected to disrupt PRRT2 protein function with a negative predictive value of 95%. In summary, the available evidence is currently insufficient to determine the role of this variant in disease. Therefore, it has been classified as a Variant of Uncertain Significance.

Ambry Genetics
Classification: Uncertain significance for Inborn genetic diseases. Last evaluated: 2021-07-19. Review status: criteria provided, single submitter. Criteria: Ambry Variant Classification Scheme 2023. Collection method: clinical testing. Allele origin: germline.
Comment: The c.649C>G (p.R217G) alteration is located in exon 2 (coding exon 1) of the PRRT2 gene. This alteration results from a C to G substitution at nucleotide position 649, causing the arginine (R) at amino acid position 217 to be replaced by a glycine (G). Based on data from the Genome Aggregation Database (gnomAD), the PRRT2 c.649C>G alteration was not observed, with coverage at this position. This amino acid position is well conserved in available vertebrate species. The p.R217G alteration is predicted to be tolerated by in silico analysis. Based on insufficient or conflicting evidence, the clinical significance of this alteration remains unclear.

NM_145239.3(PRRT2):c.649C>G (p.Arg217Gly)

Genes: MVP-DT (MVP divergent transcript; minus strand), PRRT2 (proline rich transmembrane protein 2; plus strand). Cytogenetic location: 16p11.2.
Variant type: single nucleotide variant.
Coding change: c.649C>G on transcript NM_145239.3 (MANE Select); coding-DNA position 649, C replaced by G.
Protein change: p.Arg217Gly; replaces arginine 217 with glycine.
Molecular consequence: missense variant.
Genome position (GRCh38, 1-based): chr16:29,813,703, C>G. VCF-style: chr16-29813703-C-G. GRCh37 (hg19) VCF-style: chr16-29825024-C-G.
Other names: c.649C>G, p.Arg217Gly (NM_001256442.2, NM_001256443.2); c.649C>G (NM_145239.2); short protein forms R217G.
Identifiers: ClinVar variation 1006059 (VCV001006059.10), dbSNP rs77838305, ClinGen allele CA280410118.